The following is an entry in ClinVar:

NM_001005273.3(CHD3):c.3318C>T (p.Ile1106=)

Gene: CHD3 (chromodomain helicase DNA binding protein 3; plus strand). Cytogenetic location: 17p13.1.
Variant type: single nucleotide variant.
Coding change: c.3318C>T on transcript NM_001005273.3 (MANE Select); coding-DNA position 3318, C replaced by T.
Protein change: p.Ile1106=; no amino-acid change (isoleucine 1106 retained).
Molecular consequence: synonymous variant.
Genome position (GRCh38, 1-based): chr17:7,902,675, C>T. VCF-style: chr17-7902675-C-T. GRCh37 (hg19) VCF-style: chr17-7805993-C-T.
Other names: c.3495C>T, p.Ile1165= (NM_001005271.3); c.3318C>T, p.Ile1106= (NM_005852.4).
Identifiers: ClinVar variation 2647429 (VCV002647429.24), dbSNP rs201554552, ClinGen allele CA8363054.

ClinVar aggregate classification (germline): Benign (1 of 4 stars; one submission).

Allele frequency attached by ClinVar (database versions not stated): gnomAD 0.00005; ExAC 0.00016.
gnomAD v4.1: 160 of 1,614,008 alleles (0.0099%); highest among the groups gnomAD compares: South Asian, 0.15%; 3 homozygotes.

Submission:

CeGaT Center for Human Genetics Tuebingen
Classification: Benign. Last evaluated: 2022-10-01. Review status: criteria provided, single submitter. Criteria: CeGaT Center For Human Genetics Tuebingen Variant Classification Criteria Version 2. Collection method: clinical testing. Allele origin: germline. Affected: yes. Observed: 1 variant allele.
Comment: CHD3: BS1, BS2